The following is an entry in ClinVar:

NM_003036.4(SKI):c.1474+4C>A

Gene: SKI (SKI proto-oncogene; plus strand). Cytogenetic location: 1p36.32.
Variant type: single nucleotide variant.
Coding change: c.1474+4C>A on transcript NM_003036.4 (MANE Select); 4 bases into the intron after coding-DNA position 1474, C replaced by A.
Molecular consequence: intron variant.
Genome position (GRCh38, 1-based): chr1:2,304,106, C>A. VCF-style: chr1-2304106-C-A. GRCh37 (hg19) VCF-style: chr1-2235545-C-A.
Identifiers: ClinVar variation 513310 (VCV000513310.1), dbSNP rs780930093, ClinGen allele CA536720.

ClinVar aggregate classification (germline): Likely benign (1 of 4 stars; one submission).

gnomAD v4.1: 9 of 1,612,192 alleles (0.00056%); highest among the groups gnomAD compares: Non-Finnish European, 0.00076%; no homozygotes.

Submission:

GeneDx
Classification: Likely benign. Last evaluated: 2017-11-13. Review status: criteria provided, single submitter. Criteria: GeneDx Variant Classification (06012015). Collection method: clinical testing. Allele origin: germline. Affected: yes.
Comment: This variant is considered likely benign or benign based on one or more of the following criteria: it is a conservative change, it occurs at a poorly conserved position in the protein, it is predicted to be benign by multiple in silico algorithms, and/or has population frequency not consistent with disease.